The following is an entry in ClinVar:

ClinVar aggregate classification (germline): Likely benign. Review status: criteria provided, multiple submitters, no conflicts (2 of 4 stars). 3 submissions from 3 submitters: Likely benign (3). Last evaluated 2024-05-13.

Conditions:
Hereditary cancer-predisposing syndrome. Also called: Hereditary Cancer Syndrome; Hereditary neoplastic syndrome; Neoplastic Syndromes, Hereditary; Tumor predisposition. Identifiers: Orphanet 140162, MedGen C0027672, MeSH D009386, MONDO:0015356.
Hereditary breast ovarian cancer syndrome. Also called: Hereditary breast and ovarian cancer syndrome; Hereditary breast and ovarian cancer; Breast and ovarian cancer; BRCA1- and BRCA2-Associated Hereditary Breast and Ovarian Cancer; Hereditary breast and/or ovarian cancer syndrome; Hereditary breast and ovarian cancer syndrome (HBOC). Identifiers: Orphanet 145, MedGen C0677776, MeSH D061325, MONDO:0003582. Disease mechanism: loss of function.

Allele frequency attached by ClinVar (database versions not stated): gnomAD exomes below 0.00001.
gnomAD v4.1: 2 of 1,613,662 alleles (0.00012%); highest among the groups gnomAD compares: South Asian, 0.0011%; no homozygotes.

Submissions (3):

Labcorp Genetics (formerly Invitae), Labcorp
Classification: Likely benign for Hereditary breast ovarian cancer syndrome. Last evaluated: 2024-05-13. Review status: criteria provided, single submitter. Criteria: Invitae Variant Classification Sherloc (09022015). Collection method: clinical testing. Allele origin: germline.

Ambry Genetics
Classification: Likely benign for Hereditary cancer-predisposing syndrome. Last evaluated: 2016-11-08. Review status: criteria provided, single submitter. Criteria: Ambry Variant Classification Scheme 2023. Collection method: clinical testing. Allele origin: germline.

GeneDx
Classification: Likely benign. Last evaluated: 2016-05-26. Review status: criteria provided, single submitter. Criteria: GeneDx Variant Classification (06012015). Collection method: clinical testing. Allele origin: germline. Affected: yes.
Comment: This variant is considered likely benign or benign based on one or more of the following criteria: it is a conservative change, it occurs at a poorly conserved position in the protein, it is predicted to be benign by multiple in silico algorithms, and/or has population frequency not consistent with disease.

NM_007294.4(BRCA1):c.4428G>A (p.Lys1476=)

Gene: BRCA1 (BRCA1 DNA repair associated; minus strand). Cytogenetic location: 17q21.31.
Variant type: single nucleotide variant.
Coding change: c.4428G>A on transcript NM_007294.4 (MANE Select); coding-DNA position 4428, G replaced by A.
Protein change: p.Lys1476=; no amino-acid change (lysine 1476 retained).
Molecular consequence: synonymous variant. On other transcripts: intron variant (3).
Genome position (GRCh38, 1-based): chr17:43,076,544, C>T on the plus strand (G>A on the coding strand, the complement: BRCA1 is on the minus strand). VCF-style: chr17-43076544-C-T. GRCh37 (hg19) VCF-style: chr17-41228561-C-T.
Other names: c.4092G>A, p.Lys1364= (NM_001407951.1, NM_001407952.1, NM_001407953.1 and 3 more transcripts); c.1113G>A, p.Lys371= (NM_001408402.1, NM_001408403.1, NM_001408404.1 and 8 more transcripts); c.852G>A, p.Lys284= (NM_001408502.1, NM_001408503.1, NM_001408504.1); c.984G>A, p.Lys328= (NM_001408451.1); c.978G>A, p.Lys326= (NM_001408452.1, NM_001408453.1, NM_001408454.1 and 3 more transcripts); c.1110G>A, p.Lys370= (NM_001408406.1, NM_001408407.1, NM_001408408.1); c.849G>A, p.Lys283= (NM_001408505.1); c.792G>A, p.Lys264= (NM_001408506.1); and 71 more.
Identifiers: ClinVar variation 386544 (VCV000386544.15), dbSNP rs1057522527, ClinGen allele CA16607608.